The following is an entry in ClinVar:

ClinVar aggregate classification (germline): Uncertain significance (1 of 4 stars; one submission).

Submission:

Labcorp Genetics (formerly Invitae), Labcorp
Classification: Uncertain significance. Last evaluated: 2023-10-29. Review status: criteria provided, single submitter. Criteria: Invitae Variant Classification Sherloc (09022015). Collection method: clinical testing. Allele origin: unknown.
Comment: This variant results in a copy number gain of the genomic region encompassing exon(s) 1 of the ACTN4 gene. This region includes the initiator codon of the gene. This copy number gain extends beyond the assayed region for this gene and therefore may encompass additional genes. As the precise location of this event is unknown, it may be in tandem or it may be located elsewhere in the genome. This variant has not been reported in the literature in individuals affected with ACTN4-related conditions. Experimental studies and prediction algorithms are not available or were not evaluated, and the functional significance of this variant is currently unknown. In summary, the available evidence is currently insufficient to determine the role of this variant in disease. Therefore, it has been classified as a Variant of Uncertain Significance.

NC_000019.9:g.(?_39138352)_(39138567_?)dup

Gene: ACTN4 (actinin alpha 4; plus strand). Cytogenetic location: 19q13.2.
Variant type: Duplication.
Identifiers: ClinVar variation 3242684 (VCV003242684.1).